The following is an entry in ClinVar:

NM_001034852.3(SMOC1):c.406T>G (p.Cys136Gly)

Gene: SMOC1 (SPARC related modular calcium binding 1; plus strand). Cytogenetic location: 14q24.2.
Variant type: single nucleotide variant.
Coding change: c.406T>G on transcript NM_001034852.3 (MANE Select); coding-DNA position 406, T replaced by G.
Protein change: p.Cys136Gly; replaces cysteine 136 with glycine.
Molecular consequence: missense variant.
Genome position (GRCh38, 1-based): chr14:69,975,742, T>G. VCF-style: chr14-69975742-T-G. GRCh37 (hg19) VCF-style: chr14-70442459-T-G.
Other names: c.406T>G, p.Cys136Gly (NM_001425244.1, NM_001425245.1, NM_022137.6); short protein forms C136G.
Identifiers: ClinVar variation 3777060 (VCV003777060.1).

ClinVar aggregate classification (germline): Likely pathogenic (1 of 4 stars; one submission).

Conditions:
Microphthalmia with limb anomalies (MLA). Also called: ANOPHTHALMIA-SYNDACTYLY; OPHTHALMOACROMELIC SYNDROME; MICROPHTHALMIA AND LIMB ANOMALIES. Identifiers: Orphanet 1106, MedGen C0599973, MONDO:0008800, OMIM 206920.

Submission:

Department of Biotechnology and Genetic Engineering, Kohat University of Science and Technology
Classification: Likely pathogenic for Microphthalmia with limb anomalies. Review status: criteria provided, single submitter. Criteria: ACMG Guidelines, 2015. Collection method: research. Allele origin: germline. Inheritance: Autosomal recessive inheritance. Affected: yes. Observed: 1 variant allele, 1 homozygote.
Comment: This sequence change results in a missense variant (p.Cys136Gly) in the SMOC1 gene. The cysteine residue at this position is highly conserved and likely critical for protein structure or function. This variant is absent from population databases (gnomAD frequency: 0.00), supporting its rarity. In silico tools predict a damaging effect (MutationTaster: disease causing; PolyPhen-2: probably damaging [score: 0.997]; REVEL: 0.942 – strong support; SIFT: deleterious), consistent with a deleterious impact on the protein. This variant has not been previously reported in affected individuals or in public databases, making it novel. Based on ACMG criteria (PM2, PP1, PP3–strong), this variant has been classified as Likely Pathogenic.